The following is an entry in ClinVar:

NM_006258.4(PRKG1):c.763-15G>T

Gene: PRKG1 (protein kinase cGMP-dependent 1; plus strand). Cytogenetic location: 10q21.1.
Variant type: single nucleotide variant.
Coding change: c.763-15G>T on transcript NM_006258.4 (MANE Select); 15 bases into the intron before coding-DNA position 763, G replaced by T.
Molecular consequence: intron variant.
Genome position (GRCh38, 1-based): chr10:52,054,469, G>T. VCF-style: chr10-52054469-G-T. GRCh37 (hg19) VCF-style: chr10-53814229-G-T.
Other names: c.718-15G>T (NM_001098512.3, LRG_1135t2); c.763-15G>T (LRG_1135t1).
Identifiers: ClinVar variation 381195 (VCV000381195.13), dbSNP rs1904010, ClinGen allele CA5503614.

ClinVar aggregate classification (germline): Benign/Likely benign. Review status: criteria provided, multiple submitters, no conflicts (2 of 4 stars). 6 submissions from 6 submitters: Benign (5); Likely benign (1). Last evaluated 2026-02-04.

Conditions:
Aortic aneurysm, familial thoracic 8 (AAT8). Identifiers: MedGen C3809513, MONDO:0014187, OMIM 615436.

Allele frequency attached by ClinVar (database versions not stated): 1000 Genomes Project 30x 0.26234; 1000 Genomes Project 0.26917; TOPMed 0.30027; ESP Exome Variant Server 0.31532; ExAC 0.34825.
gnomAD v4.1: 579,520 of 1,603,048 alleles (36%); highest among the groups gnomAD compares: Non-Finnish European, 38%; 107,008 homozygotes.

Submissions (6):

Labcorp Genetics (formerly Invitae), Labcorp
Classification: Benign for Aortic aneurysm, familial thoracic 8. Last evaluated: 2026-02-04. Review status: criteria provided, single submitter. Criteria: Invitae Variant Classification Sherloc (09022015). Collection method: clinical testing. Allele origin: germline.

Blueprint Genetics
Classification: Likely benign. Last evaluated: 2024-11-27. Review status: criteria provided, single submitter. Criteria: ACMG Guidelines, 2015. Collection method: clinical testing. Allele origin: germline.

Women's Health and Genetics/Laboratory Corporation of America, LabCorp
Classification: Benign. Last evaluated: 2023-04-04. Review status: criteria provided, single submitter. Criteria: LabCorp Variant Classification Summary - May 2015. Collection method: clinical testing. Allele origin: germline.

Genome-Nilou Lab
Classification: Benign for Aortic aneurysm, familial thoracic 8. Last evaluated: 2021-10-25. Review status: criteria provided, single submitter. Criteria: ACMG Guidelines, 2015. Collection method: clinical testing. Allele origin: germline. Affected: no.

GeneDx
Classification: Benign. Last evaluated: 2016-09-23. Review status: criteria provided, single submitter. Criteria: GeneDx Variant Classification (06012015). Collection method: clinical testing. Allele origin: germline. Affected: yes.
Comment: This variant is considered likely benign or benign based on one or more of the following criteria: it is a conservative change, it occurs at a poorly conserved position in the protein, it is predicted to be benign by multiple in silico algorithms, and/or has population frequency not consistent with disease.

Breakthrough Genomics
Classification: Benign. Review status: criteria provided, single submitter. Criteria: ACMG Guidelines, 2015. Collection method: not provided. Allele origin: germline. Inheritance: Autosomal dominant inheritance. Affected: yes.